The following is an entry in ClinVar:

ClinVar aggregate classification (germline): Uncertain significance (1 of 4 stars; one submission).

Submission:

Ambry Genetics
Classification: Uncertain significance. Last evaluated: 2025-06-18. Review status: criteria provided, single submitter. Criteria: Ambry Variant Classification Scheme 2023. Collection method: clinical testing. Allele origin: germline.
Comment: The c.519G>T (p.W173C) alteration is located in exon 4 (coding exon 3) of the ATP2B2 gene. This alteration results from a G to T substitution at nucleotide position 519, causing the tryptophan (W) at amino acid position 173 to be replaced by a cysteine (C). This variant was not reported in population-based cohorts in the Genome Aggregation Database (gnomAD). This amino acid position is highly conserved in available vertebrate species. This alteration is predicted to be deleterious by in silico analysis. Based on insufficient or conflicting evidence, the clinical significance of this alteration remains unclear.

NM_001001331.4(ATP2B2):c.519G>T (p.Trp173Cys)

Gene: ATP2B2 (ATPase plasma membrane Ca2+ transporting 2; minus strand). Cytogenetic location: 3p25.3.
Variant type: single nucleotide variant.
Coding change: c.519G>T on transcript NM_001001331.4 (MANE Select); coding-DNA position 519, G replaced by T.
Protein change: p.Trp173Cys; replaces tryptophan 173 with cysteine.
Molecular consequence: missense variant.
Genome position (GRCh38, 1-based): chr3:10,402,227, C>A on the plus strand (G>T on the coding strand, the complement: ATP2B2 is on the minus strand). VCF-style: chr3-10402227-C-A. GRCh37 (hg19) VCF-style: chr3-10443911-C-A.
Other names: c.519G>T, p.Trp173Cys (NM_001330611.3, NM_001353564.1, NM_001363862.1 and 1 more transcripts); short protein forms W173C.
Identifiers: ClinVar variation 3805894 (VCV003805894.2).
Genomic context (GRCh38, chr3:10,402,227, plus strand): 5'-GGTAAATTTCTGTTCCTGCTCGATGCGGCTCTGCAGGCCCCGGAACTGTTTCTCTTTGCT[C>A]CAGTCATTGAAGGCCGTGACCAGGACCACACAGATAACTGAGAGGAGAATGGCGGCCCCC-3'
Protein context (NP_001001331.1, residues 163-183): CVVLVTAFND[Trp173Cys]SKEKQFRGLQ